The following is an entry in ClinVar:

NM_001165963.4(SCN1A):c.3710T>C (p.Phe1237Ser)

Genes: SCN1A (sodium voltage-gated channel alpha subunit 1; minus strand), LOC102724058 (uncharacterized LOC102724058; plus strand). Cytogenetic location: 2q24.3.
Variant type: single nucleotide variant.
Coding change: c.3710T>C on transcript NM_001165963.4 (MANE Select); coding-DNA position 3710, T replaced by C.
Protein change: p.Phe1237Ser; replaces phenylalanine 1237 with serine.
Molecular consequence: missense variant. On other transcripts: non-coding transcript variant (1).
Genome position (GRCh38, 1-based): chr2:166,012,278, A>G on the plus strand (T>C on the coding strand, the complement: SCN1A is on the minus strand). VCF-style: chr2-166012278-A-G. GRCh37 (hg19) VCF-style: chr2-166868788-A-G.
Other names: p.Phe1237Ser; c.3626T>C, p.Phe1209Ser (NM_001165964.3, NM_001353957.2, NM_001353958.2); c.3710T>C, p.Phe1237Ser (NM_001202435.3, NM_001353948.2); c.3677T>C, p.Phe1226Ser (NM_001353949.2, NM_001353950.2, NM_001353951.2 and 2 more transcripts); c.3674T>C, p.Phe1225Ser (NM_001353954.2, NM_001353955.2); c.3623T>C, p.Phe1208Ser (NM_001353960.2); c.1268T>C, p.Phe423Ser (NM_001353961.2); short protein forms F1226S, F1237S, F423S, F1208S, F1225S, F1209S.
Identifiers: ClinVar variation 449140 (VCV000449140.12), dbSNP rs1553531410, ClinGen allele CA349054688.

ClinVar aggregate classification (germline): Conflicting classifications of pathogenicity. Review status: criteria provided, conflicting classifications (1 of 4 stars). 2 submissions from 2 submitters: Likely pathogenic (1); Uncertain significance (1). Last evaluated 2025-02-25.

Conditions:
Early-infantile DEE. Also called: Early infantile epileptic encephalopathy; Ohtahara syndrome; Early infantile epileptic encephalopathy with suppression bursts. Identifiers: Orphanet 1934, MedGen C0393706, MONDO:0800491.

Submissions (2):

Labcorp Genetics (formerly Invitae), Labcorp
Classification: Uncertain significance for Early-infantile DEE. Last evaluated: 2025-02-25. Review status: criteria provided, single submitter. Criteria: Invitae Variant Classification Sherloc (09022015). Collection method: clinical testing. Allele origin: germline.
Comment: This sequence change replaces phenylalanine, which is neutral and non-polar, with serine, which is neutral and polar, at codon 1237 of the SCN1A protein (p.Phe1237Ser). This variant is not present in population databases (gnomAD no frequency). This missense change has been observed in individual(s) with clinical features of SCN1A-related conditions (internal data). ClinVar contains an entry for this variant (Variation ID: 449140). Invitae Evidence Modeling of protein sequence and biophysical properties (such as structural, functional, and spatial information, amino acid conservation, physicochemical variation, residue mobility, and thermodynamic stability) indicates that this missense variant is expected to disrupt SCN1A protein function with a positive predictive value of 95%. In summary, the available evidence is currently insufficient to determine the role of this variant in disease. Therefore, it has been classified as a Variant of Uncertain Significance.

GeneDx
Classification: Likely pathogenic. Last evaluated: 2020-06-02. Review status: criteria provided, single submitter. Criteria: GeneDx Variant Classification Process June 2021. Collection method: clinical testing. Allele origin: germline. Affected: yes.
Comment: Not observed in large population cohorts (Lek et al., 2016); Missense variants in this gene are often considered pathogenic (Stenson et al., 2014); In silico analysis supports that this missense variant has a deleterious effect on protein structure/function; This substitution is predicted to be within the transmembrane segment S1 of the third homologous domain; Has not been previously published as pathogenic or benign to our knowledge